The following is an entry in ClinVar:

ClinVar aggregate classification (germline): Uncertain significance (1 of 4 stars; one submission).

Allele frequency attached by ClinVar (database versions not stated): gnomAD exomes 0.00001.
gnomAD v4.1: 5 of 1,614,158 alleles (0.00031%); highest among the groups gnomAD compares: Non-Finnish European, 0.00042%; no homozygotes.

Submission:

Labcorp Genetics (formerly Invitae), Labcorp
Classification: Uncertain significance. Last evaluated: 2022-05-03. Review status: criteria provided, single submitter. Criteria: Invitae Variant Classification Sherloc (09022015). Collection method: clinical testing. Allele origin: germline.
Comment: In summary, the available evidence is currently insufficient to determine the role of this variant in disease. Therefore, it has been classified as a Variant of Uncertain Significance. Algorithms developed to predict the effect of missense changes on protein structure and function output the following: SIFT: "Tolerated"; PolyPhen-2: "Benign"; Align-GVGD: "Class C0". The threonine amino acid residue is found in multiple mammalian species, which suggests that this missense change does not adversely affect protein function. This variant has not been reported in the literature in individuals affected with IARS-related conditions. This variant is not present in population databases (gnomAD no frequency). This sequence change replaces serine, which is neutral and polar, with threonine, which is neutral and polar, at codon 920 of the IARS protein (p.Ser920Thr).

NM_002161.6(IARS1):c.2759G>C (p.Ser920Thr)

Gene: IARS1 (isoleucyl-tRNA synthetase 1; minus strand). Cytogenetic location: 9q22.31.
Variant type: single nucleotide variant.
Coding change: c.2759G>C on transcript NM_002161.6 (MANE Select); coding-DNA position 2759, G replaced by C.
Protein change: p.Ser920Thr; replaces serine 920 with threonine.
Molecular consequence: missense variant. On other transcripts: non-coding transcript variant (1).
Genome position (GRCh38, 1-based): chr9:92,247,409, C>G on the plus strand (G>C on the coding strand, the complement: IARS1 is on the minus strand). VCF-style: chr9-92247409-C-G. GRCh37 (hg19) VCF-style: chr9-95009691-C-G.
Other names: c.2684G>C, p.Ser895Thr (NM_001374299.1, NM_001374300.1, NM_001378584.1); c.2675G>C, p.Ser892Thr (NM_001374301.1); c.2822G>C, p.Ser941Thr (NM_001378569.1); c.2780G>C, p.Ser927Thr (NM_001378571.1); c.2759G>C, p.Ser920Thr (NM_001378572.1, NM_001378573.1, NM_001378574.1 and 9 more transcripts); c.2663G>C, p.Ser888Thr (NM_001378582.1); c.2636G>C, p.Ser879Thr (NM_001378583.1); short protein forms S879T, S941T, S888T, S920T, S895T, S927T, S892T.
Identifiers: ClinVar variation 2187577 (VCV002187577.4), dbSNP rs904012202, ClinGen allele CA195405348.
Genomic context (GRCh38, chr9:92,247,409, plus strand): 5'-TGGTGCCCTTGTCTGTGTAGACACCTACCAGTCTTCTGGAACTGCTCCAGCTCCTCACTG[C>G]TCAACTGCTTGATGGACGTCATCACTGCCTTAAAGGCTCCCTTCAGACGCTTCCCCAGGA-3'
Protein context (NP_002152.2, residues 910-930): KAVMTSIKQL[Ser920Thr]SEELEQFQKT